The following is an entry in ClinVar:

NM_022436.3(ABCG5):c.136del (p.Ser46fs)

Gene: ABCG5 (ATP binding cassette subfamily G member 5; minus strand). Cytogenetic location: 2p21.
Variant type: Deletion.
Coding change: c.136del on transcript NM_022436.3 (MANE Select); coding-DNA position 136, one base deleted (A; older notation c.136delA).
Protein change: p.Ser46fs; shifts the reading frame from serine 46.
Molecular consequence: frameshift variant.
Genome position (GRCh38, 1-based): chr2:43,838,544, T deleted on the plus strand (A on the coding strand, the reverse complement: ABCG5 is on the minus strand). VCF-style (leftmost placement, unchanged base first): chr2-43838543-CT-C. GRCh37 (hg19) VCF-style: chr2-44065682-CT-C.
Other names: short protein forms S46fs.
Identifiers: ClinVar variation 1771014 (VCV001771014.3), dbSNP rs2466150084, ClinGen allele CA2580066465.

ClinVar aggregate classification (germline): Pathogenic. Review status: criteria provided, multiple submitters, no conflicts (2 of 4 stars). 2 submissions from 2 submitters: Pathogenic (2). Last evaluated 2025-06-18.

Conditions:
Cardiovascular phenotype. Identifiers: MedGen CN230736.
Sitosterolemia (STSL). Also called: PHYTOSTEROLEMIA. Identifiers: Orphanet 2882, MedGen C0342907, MONDO:0008863.

Submissions (2):

Labcorp Genetics (formerly Invitae), Labcorp
Classification: Pathogenic for Sitosterolemia. Last evaluated: 2025-06-18. Review status: criteria provided, single submitter. Criteria: Invitae Variant Classification Sherloc (09022015). Collection method: clinical testing. Allele origin: germline.
Comment: This sequence change creates a premature translational stop signal (p.Ser46Alafs*6) in the ABCG5 gene. It is expected to result in an absent or disrupted protein product. Loss-of-function variants in ABCG5 are known to be pathogenic (PMID: 11138003, 25665839). This variant is not present in population databases (gnomAD no frequency). This variant has not been reported in the literature in individuals affected with ABCG5-related conditions. ClinVar contains an entry for this variant (Variation ID: 1771014). For these reasons, this variant has been classified as Pathogenic.

Ambry Genetics
Classification: Pathogenic for Cardiovascular phenotype. Last evaluated: 2020-05-06. Review status: criteria provided, single submitter. Criteria: Ambry Variant Classification Scheme 2023. Collection method: clinical testing. Allele origin: germline.
Comment: The c.136delA pathogenic mutation, located in coding exon 1 of the ABCG5 gene, results from a deletion of one nucleotide at nucleotide position 136, causing a translational frameshift with a predicted alternate stop codon (p.S46Afs*6). This alteration is expected to result in loss of function by premature protein truncation or nonsense-mediated mRNA decay. As such, this alteration is interpreted as a disease-causing mutation.

Literature cited by the submitters: PubMed 11138003 (cited by Labcorp Genetics (formerly Invitae), Labcorp); PubMed 25665839 (cited by Labcorp Genetics (formerly Invitae), Labcorp).